The following is an entry in ClinVar:

NM_002439.5(MSH3):c.1586C>T (p.Ser529Leu)

Gene: MSH3 (mutS homolog 3; plus strand). Cytogenetic location: 5q14.1.
Variant type: single nucleotide variant.
Coding change: c.1586C>T on transcript NM_002439.5 (MANE Select); coding-DNA position 1586, C replaced by T.
Protein change: p.Ser529Leu; replaces serine 529 with leucine.
Molecular consequence: missense variant.
Genome position (GRCh38, 1-based): chr5:80,741,481, C>T. VCF-style: chr5-80741481-C-T. GRCh37 (hg19) VCF-style: chr5-80037300-C-T.
Other names: c.1586C>T (NM_002439.3); short protein forms S529L.
Identifiers: ClinVar variation 834568 (VCV000834568.10), dbSNP rs758191157, ClinGen allele CA360274450.

ClinVar aggregate classification (germline): Uncertain significance. Review status: criteria provided, multiple submitters, no conflicts (2 of 4 stars). 2 submissions from 2 submitters: Uncertain significance (2). Last evaluated 2025-12-12.

Conditions:
Hereditary cancer-predisposing syndrome. Also called: Hereditary neoplastic syndrome; Neoplastic Syndromes, Hereditary; Tumor predisposition; Hereditary Cancer Syndrome. Identifiers: Orphanet 140162, MedGen C0027672, MeSH D009386, MONDO:0015356.

gnomAD v4.1: 1 of 1,593,784 alleles (0.000063%); highest among the groups gnomAD compares: Admixed American, 0.0017%; no homozygotes.

Submissions (2):

Labcorp Genetics (formerly Invitae), Labcorp
Classification: Uncertain significance. Last evaluated: 2025-12-12. Review status: criteria provided, single submitter. Criteria: Invitae Variant Classification Sherloc (09022015). Collection method: clinical testing. Allele origin: germline.
Comment: This sequence change replaces serine, which is neutral and polar, with leucine, which is neutral and non-polar, at codon 529 of the MSH3 protein (p.Ser529Leu). This variant is not present in population databases (gnomAD no frequency). This variant has not been reported in the literature in individuals affected with MSH3-related conditions. ClinVar contains an entry for this variant (Variation ID: 834568). An algorithm developed to predict the effect of missense changes on protein structure and function (PolyPhen-2) suggests that this variant is likely to be disruptive. In summary, the available evidence is currently insufficient to determine the role of this variant in disease. Therefore, it has been classified as a Variant of Uncertain Significance.

Ambry Genetics
Classification: Uncertain significance for Hereditary cancer-predisposing syndrome. Last evaluated: 2023-12-29. Review status: criteria provided, single submitter. Criteria: Ambry Variant Classification Scheme 2023. Collection method: clinical testing. Allele origin: germline.
Comment: The p.S529L variant (also known as c.1586C>T), located in coding exon 11 of the MSH3 gene, results from a C to T substitution at nucleotide position 1586. The serine at codon 529 is replaced by leucine, an amino acid with dissimilar properties. This amino acid position is conserved. In addition, the in silico prediction for this alteration is inconclusive. Since supporting evidence is limited at this time, the clinical significance of this alteration remains unclear.